The following is an entry in ClinVar:

NM_001199107.2(TBC1D24):c.413T>C (p.Val138Ala)

Gene: TBC1D24 (TBC1 domain family member 24; plus strand). Cytogenetic location: 16p13.3.
Variant type: single nucleotide variant.
Coding change: c.413T>C on transcript NM_001199107.2 (MANE Select); coding-DNA position 413, T replaced by C.
Protein change: p.Val138Ala; replaces valine 138 with alanine.
Molecular consequence: missense variant.
Genome position (GRCh38, 1-based): chr16:2,496,561, T>C. VCF-style: chr16-2496561-T-C. GRCh37 (hg19) VCF-style: chr16-2546562-T-C.
Other names: c.413T>C, p.Val138Ala (NM_020705.3); short protein forms V138A.
Identifiers: ClinVar variation 1341598 (VCV001341598.5), dbSNP rs1162185369, ClinGen allele CA394375897.

ClinVar aggregate classification (germline): Uncertain significance. Review status: criteria provided, multiple submitters, no conflicts (2 of 4 stars). 2 submissions from 2 submitters: Uncertain significance (2). Last evaluated 2024-11-05.

Conditions:
Developmental and epileptic encephalopathy, 1 (DEE1). Also called: X-linked infantile spasms; West's syndrome; Tonic spasms with clustering, arrest of psychomotor development and hypsarrhythmia on EEG; X-Linked Infantile Spasm Syndrome; OHTAHARA SYNDROME, X-LINKED; INFANTILE SPASM SYNDROME, X-LINKED 1. Identifiers: MedGen C3463992, MONDO:0010632, OMIM 308350. Disease mechanism: loss of function.
Autosomal dominant nonsyndromic hearing loss 65. Also called: TBC1D24-Related Autosomal Dominant Nonsyndromic Hearing Loss (DFNA); Deafness, autosomal dominant 65. Identifiers: Orphanet 90635, MedGen C3892048, MONDO:0014470, OMIM 616044.

Allele frequency attached by ClinVar (database versions not stated): gnomAD 0.00001; gnomAD exomes 0.00001 and below 0.00001; TOPMed 0.00001.
gnomAD v4.1: 10 of 1,608,738 alleles (0.00062%); highest among the groups gnomAD compares: Non-Finnish European, 0.00085%; no homozygotes.

Submissions (2):

Labcorp Genetics (formerly Invitae), Labcorp
Classification: Uncertain significance for Developmental and epileptic encephalopathy, 1; Autosomal dominant nonsyndromic hearing loss 65. Last evaluated: 2024-11-05. Review status: criteria provided, single submitter. Criteria: Invitae Variant Classification Sherloc (09022015). Collection method: clinical testing. Allele origin: germline.
Comment: This sequence change replaces valine, which is neutral and non-polar, with alanine, which is neutral and non-polar, at codon 138 of the TBC1D24 protein (p.Val138Ala). This variant is present in population databases (no rsID available, gnomAD 0.0009%). This variant has not been reported in the literature in individuals affected with TBC1D24-related conditions. ClinVar contains an entry for this variant (Variation ID: 1341598). Invitae Evidence Modeling of protein sequence and biophysical properties (such as structural, functional, and spatial information, amino acid conservation, physicochemical variation, residue mobility, and thermodynamic stability) indicates that this missense variant is not expected to disrupt TBC1D24 protein function with a negative predictive value of 80%. In summary, the available evidence is currently insufficient to determine the role of this variant in disease. Therefore, it has been classified as a Variant of Uncertain Significance.

GeneDx
Classification: Uncertain significance. Last evaluated: 2022-02-11. Review status: criteria provided, single submitter. Criteria: GeneDx Variant Classification Process June 2021. Collection method: clinical testing. Allele origin: germline. Affected: yes.
Comment: Not observed at significant frequency in large population cohorts (gnomAD); In silico analysis supports that this missense variant does not alter protein structure/function; Has not been previously published as pathogenic or benign to our knowledge